The following is an entry in ClinVar:

NM_001371596.2(MFSD8):c.439+4A>G

Gene: MFSD8 (major facilitator superfamily domain containing 8; minus strand). Cytogenetic location: 4q28.2.
Variant type: single nucleotide variant.
Coding change: c.439+4A>G on transcript NM_001371596.2 (MANE Select); 4 bases into the intron after coding-DNA position 439, A replaced by G.
Molecular consequence: intron variant.
Genome position (GRCh38, 1-based): chr4:127,943,748, T>C on the plus strand (A>G on the coding strand, the complement: MFSD8 is on the minus strand). VCF-style: chr4-127943748-T-C. GRCh37 (hg19) VCF-style: chr4-128864903-T-C.
Other names: c.304+4A>G (NM_001371595.1, NM_001410765.1, NM_001371590.2); c.439+4A>G (NM_152778.4, NM_001363521.3, NM_001410766.1 and 5 more transcripts).
Identifiers: ClinVar variation 1002870 (VCV001002870.5), dbSNP rs751782767, ClinGen allele CA3077478.

ClinVar aggregate classification (germline): Uncertain significance (1 of 4 stars; one submission).

Conditions:
Neuronal ceroid lipofuscinosis 7 (CLN7). Also called: MFSD8-Related Neuronal Ceroid-Lipofuscinosis. Identifiers: Orphanet 168491, Orphanet 228366, MedGen C1838571, MONDO:0012588, OMIM 610951.

Allele frequency attached by ClinVar (database versions not stated): gnomAD exomes below 0.00001; TOPMed below 0.00001; ExAC 0.00001.
gnomAD v4.1: 3 of 1,614,096 alleles (0.00019%); highest among the groups gnomAD compares: Middle Eastern, 0.016%; no homozygotes.

Submission:

Labcorp Genetics (formerly Invitae), Labcorp
Classification: Uncertain significance for Neuronal ceroid lipofuscinosis 7. Last evaluated: 2024-09-05. Review status: criteria provided, single submitter. Criteria: Invitae Variant Classification Sherloc (09022015). Collection method: clinical testing. Allele origin: germline.
Comment: This sequence change falls in intron 5 of the MFSD8 gene. It does not directly change the encoded amino acid sequence of the MFSD8 protein. It affects a nucleotide within the consensus splice site. This variant is not present in population databases (gnomAD no frequency). This variant has not been reported in the literature in individuals affected with MFSD8-related conditions. ClinVar contains an entry for this variant (Variation ID: 1002870). Variants that disrupt the consensus splice site are a relatively common cause of aberrant splicing (PMID: 17576681, 9536098). Algorithms developed to predict the effect of sequence changes on RNA splicing suggest that this variant is not likely to affect RNA splicing. In summary, the available evidence is currently insufficient to determine the role of this variant in disease. Therefore, it has been classified as a Variant of Uncertain Significance.

Literature cited by the submitters: PubMed 17576681; PubMed 9536098.